The following is an entry in ClinVar:

ClinVar aggregate classification (germline): Uncertain significance (1 of 4 stars; one submission).

Conditions:
Cardiovascular phenotype. Identifiers: MedGen CN230736.

Submission:

Ambry Genetics
Classification: Uncertain significance for Cardiovascular phenotype. Last evaluated: 2024-04-21. Review status: criteria provided, single submitter. Criteria: Ambry Variant Classification Scheme 2023. Collection method: clinical testing. Allele origin: germline.
Comment: The p.G308W variant (also known as c.922G>T), located in coding exon 6 of the PCSK9 gene, results from a G to T substitution at nucleotide position 922. The glycine at codon 308 is replaced by tryptophan, an amino acid with highly dissimilar properties. This amino acid position is conserved. In addition, this alteration is predicted to be deleterious by in silico analysis. Based on the available evidence, the clinical significance of this variant remains unclear.

NM_174936.4(PCSK9):c.922G>T (p.Gly308Trp)

Gene: PCSK9 (proprotein convertase subtilisin/kexin type 9; plus strand). Cytogenetic location: 1p32.3.
Variant type: single nucleotide variant.
Coding change: c.922G>T on transcript NM_174936.4 (MANE Select); coding-DNA position 922, G replaced by T.
Protein change: p.Gly308Trp; replaces glycine 308 with tryptophan.
Molecular consequence: missense variant. On other transcripts: non-coding transcript variant (8).
Genome position (GRCh38, 1-based): chr1:55,056,115, G>T. VCF-style: chr1-55056115-G-T. GRCh37 (hg19) VCF-style: chr1-55521788-G-T.
Other names: c.1045G>T, p.Gly349Trp (NM_001407240.1); c.922G>T, p.Gly308Trp (NM_001407241.1, NM_001407244.1, NM_001407247.1); c.925G>T, p.Gly309Trp (NM_001407242.1); c.865G>T, p.Gly289Trp (NM_001407243.1); c.730G>T, p.Gly244Trp (NM_001407245.1); c.547G>T, p.Gly183Trp (NM_001407246.1); short protein forms G309W, G183W, G244W, G289W, G308W, G349W.
Identifiers: ClinVar variation 3305269 (VCV003305269.1).